The following is an entry in ClinVar:

ClinVar aggregate classification (germline): Likely benign. Review status: criteria provided, multiple submitters, no conflicts (2 of 4 stars). 2 submissions from 2 submitters: Likely benign (2). Last evaluated 2025-10-23.

Conditions:
Myoclonic dystonia 26. Identifiers: MedGen C4225341, MONDO:0014620, OMIM 616398.

Allele frequency attached by ClinVar (database versions not stated): gnomAD exomes 0.00006 and 0.00009; ExAC 0.00012; TOPMed 0.00012; gnomAD 0.00015; 1000 Genomes Project 0.00020; 1000 Genomes Project 30x 0.00047.
gnomAD v4.1: 146 of 1,550,934 alleles (0.0094%); highest among the groups gnomAD compares: African/African-American, 0.022%; 1 homozygote.

Submissions (2):

Labcorp Genetics (formerly Invitae), Labcorp
Classification: Likely benign for Myoclonic dystonia 26. Last evaluated: 2025-10-23. Review status: criteria provided, single submitter. Criteria: Invitae Variant Classification Sherloc (09022015). Collection method: clinical testing. Allele origin: germline.

CeGaT Center for Human Genetics Tuebingen
Classification: Likely benign. Last evaluated: 2023-04-01. Review status: criteria provided, single submitter. Criteria: CeGaT Center For Human Genetics Tuebingen Variant Classification Criteria Version 2. Collection method: clinical testing. Allele origin: germline. Affected: yes. Observed: 1 variant allele.
Comment: KCTD17: BP4, BP7

NM_001282684.2(KCTD17):c.777C>T (p.Pro259=)

Gene: KCTD17 (potassium channel tetramerization domain containing 17; plus strand). Cytogenetic location: 22q12.3.
Variant type: single nucleotide variant.
Coding change: c.777C>T on transcript NM_001282684.2 (MANE Select); coding-DNA position 777, C replaced by T.
Protein change: p.Pro259=; no amino-acid change (proline 259 retained).
Molecular consequence: synonymous variant. On other transcripts: intron variant (3).
Genome position (GRCh38, 1-based): chr22:37,061,168, C>T. VCF-style: chr22-37061168-C-T. GRCh37 (hg19) VCF-style: chr22-37457208-C-T.
Other names: c.712+246C>T (NM_024681.4); c.613-371C>T (NM_001282685.2); c.613-1357C>T (NM_001282686.2).
Identifiers: ClinVar variation 1081498 (VCV001081498.32), dbSNP rs548803912, ClinGen allele CA10215131.